The following is an entry in ClinVar:

ClinVar aggregate classification (germline): Likely benign (1 of 4 stars; one submission).

Submission:

CeGaT Center for Human Genetics Tuebingen
Classification: Likely benign. Last evaluated: 2026-01-01. Review status: criteria provided, single submitter. Criteria: CeGaT Center For Human Genetics Tuebingen Variant Classification Criteria Version 2. Collection method: clinical testing. Allele origin: germline. Affected: yes. Observed: 1 variant allele.
Comment: ZNF429: BP4, BP7

NM_001001415.4(ZNF429):c.1011T>A (p.Gly337=)

Gene: ZNF429 (zinc finger protein 429; plus strand). Cytogenetic location: 19p12.
Variant type: single nucleotide variant.
Coding change: c.1011T>A on transcript NM_001001415.4 (MANE Select); coding-DNA position 1011, T replaced by A.
Protein change: p.Gly337=; no amino-acid change (glycine 337 retained).
Molecular consequence: synonymous variant.
Genome position (GRCh38, 1-based): chr19:21,537,064, T>A. VCF-style: chr19-21537064-T-A. GRCh37 (hg19) VCF-style: chr19-21719866-T-A.
Other names: c.1005T>A, p.Gly335= (NM_001346912.2); c.915T>A, p.Gly305= (NM_001346913.2, NM_001346914.2, NM_001346915.2); c.819T>A, p.Gly273= (NM_001346916.2).
Identifiers: ClinVar variation 4820774 (VCV004820774.4).
Genomic context (GRCh38, chr19:21,537,064, plus strand): 5'-ATGTGGCAAAGCCTTTAACCGGTCCTCAACCCTTACTAGCCATAAGAGAATACATACTGG[T>A]GAGAAACCCTACAAATGTGAAGAATGTGGCAAAGCCTTTAACTGGTCTTCAACTCTTACT-3'
Protein context (NP_001001415.2, residues 327-347): TLTSHKRIHT[Gly337=]EKPYKCEECG